The following is an entry in ClinVar:

ClinVar aggregate classification (germline): Conflicting classifications of pathogenicity. Review status: criteria provided, conflicting classifications (1 of 4 stars). 4 submissions from 4 submitters: Likely pathogenic (1); Uncertain significance (3). Last evaluated 2025-11-23.

Conditions:
Inborn genetic diseases. Identifiers: MedGen C0950123, MeSH D030342.
Autosomal recessive nonsyndromic hearing loss 4 (DFNB4). Also called: FOXI1-Related Pendred Syndrome; KCNJ10-Related Pendred Syndrome; Nonsyndromic enlarged vestibular aqueduct (NSEVA); Deafness, autosomal recessive 4, with enlarged vestibular aqueduct; Enlarged vestibular aqueduct, digenic; Deafness, autosomal recessive 4. Identifiers: Orphanet 90636, MedGen C3538946, MONDO:0010933, OMIM 600791.

Allele frequency attached by ClinVar (database versions not stated): gnomAD exomes 0.00003; ExAC 0.00006; gnomAD 0.00006; ESP Exome Variant Server 0.00015.
gnomAD v4.1: 34 of 1,608,470 alleles (0.0021%); highest among the groups gnomAD compares: African/African-American, 0.019%; no homozygotes.

Submissions (5):

Labcorp Genetics (formerly Invitae), Labcorp
Classification: Uncertain significance. Last evaluated: 2025-11-23. Review status: criteria provided, single submitter. Criteria: Invitae Variant Classification Sherloc (09022015). Collection method: clinical testing. Allele origin: germline.
Comment: This sequence change replaces isoleucine, which is neutral and non-polar, with valine, which is neutral and non-polar, at codon 962 of the TJP2 protein (p.Ile962Val). This variant is present in population databases (rs199704587, gnomAD 0.03%). This variant has not been reported in the literature in individuals affected with TJP2-related conditions. ClinVar contains an entry for this variant (Variation ID: 1306313). An algorithm developed to predict the effect of missense changes on protein structure and function outputs the following: PolyPhen-2: "Benign". The valine amino acid residue is found in multiple mammalian species, which suggests that this missense change does not adversely affect protein function. In summary, the available evidence is currently insufficient to determine the role of this variant in disease. Therefore, it has been classified as a Variant of Uncertain Significance.

Ambry Genetics
Classification: Uncertain significance for Inborn genetic diseases. Last evaluated: 2025-01-19. Review status: criteria provided, single submitter. Criteria: Ambry Variant Classification Scheme 2023. Collection method: clinical testing. Allele origin: germline.

Wonkam Laboratory, Johns Hopkins University
Classification: Likely pathogenic for Autosomal recessive nonsyndromic hearing loss 4. Last evaluated: 2024-01-06. Review status: criteria provided, single submitter. Criteria: ACMG Guidelines, 2015. Collection method: research. Allele origin: germline. Inheritance: Autosomal recessive inheritance. Affected: yes. Observed: 2 variant alleles.
Comment: This variant TJP2 c.2884A>G (NM_004817.3) is Absent from controls (or at extremely low frequency if recessive) in Exome Sequencing Project, 1000 Genomes Project, or Exome Aggregation Consortium (PM2), the variant is located in a mutational hot spot and/or critical and well-established functional domain (e.g., active site of an enzyme) without benign variation (PM1), Patient's phenotype or family history is highly specific for a disease with a single genetic etiology (PP4).

GeneDx
Classification: Uncertain significance. Last evaluated: 2022-12-27. Review status: criteria provided, single submitter. Criteria: GeneDx Variant Classification Process June 2021. Collection method: clinical testing. Allele origin: germline. Affected: yes.
Comment: In silico analysis, which includes protein predictors and evolutionary conservation, supports that this variant does not alter protein structure/function; Has not been previously published as pathogenic or benign to our knowledge

Dr. Peter K. Rogan Lab, Western University
No classification provided (evidence only). Condition: Familial cancer of breast. Review status: no classification provided. Collection method: in vitro. Allele origin: not applicable. Functional consequence: skipped exon. Not counted in ClinVar's aggregate classification.

NM_004817.4(TJP2):c.2884A>G (p.Ile962Val)

Gene: TJP2 (tight junction protein 2; plus strand). Cytogenetic location: 9q21.11.
Variant type: single nucleotide variant.
Coding change: c.2884A>G on transcript NM_004817.4 (MANE Select); coding-DNA position 2884, A replaced by G.
Protein change: p.Ile962Val; replaces isoleucine 962 with valine.
Molecular consequence: missense variant. On other transcripts: intron variant (6).
Genome position (GRCh38, 1-based): chr9:69,249,378, A>G. VCF-style: chr9-69249378-A-G. GRCh37 (hg19) VCF-style: chr9-71864294-A-G.
Other names: NC_000009.11:g.71864294A>G; c.2977A>G, p.Ile993Val (NM_001170416.2); c.2809A>G, p.Ile937Val (NM_001369870.1); c.2815A>G, p.Ile939Val (NM_001369871.1); c.2896A>G, p.Ile966Val (NM_001369875.1); c.2811+1154A>G (NM_001170414.2); c.2880+1154A>G (NM_201629.3, NM_001369872.1); c.2668-1657A>G (NM_001369873.1); and 1 more; short protein forms I937V, I939V, I962V, I966V, I993V.
Identifiers: ClinVar variation 1306313 (VCV001306313.6), dbSNP rs199704587, ClinGen allele CA5073818.